The following is an entry in ClinVar:

ClinVar aggregate classification (germline): Likely pathogenic (1 of 4 stars; one submission).

Conditions:
Anemia, congenital dyserythropoietic, type 1a (CDAN1A). Also called: DYSERYTHROPOIETIC ANEMIA, CONGENITAL, TYPE Ia; CDAN1-Related Congenital Dyserythropoietic Anemia. Identifiers: MedGen C5574667, MONDO:0009135, OMIM 224120.

Submission:

First Genomix Gene Laboratory, Genetic Diagnostics Department
Classification: Likely pathogenic for Anemia, congenital dyserythropoietic, type 1a. Last evaluated: 2025-09-03. Review status: criteria provided, single submitter. Criteria: ACMG Guidelines, 2015. Collection method: clinical testing. Allele origin: germline. Inheritance: Autosomal recessive inheritance. Affected: no. Observed: 1 variant allele.

NM_138477.4(CDAN1):c.1101CTT[1] (p.Phe369del)

Gene: CDAN1 (codanin 1; minus strand). Cytogenetic location: 15q15.2.
Variant type: Microsatellite.
Coding change: c.1101CTT[1] on transcript NM_138477.4 (MANE Select); one copy of the 3-base unit CTT starting at c.1101; the reference has two copies in a row; one copy, 3 bases deleted.
Protein change: p.Phe369del; deletes phenylalanine 369.
Genome position (GRCh38, 1-based): chr15:42,735,130-42,735,132, AAG deleted on the plus strand (CTT on the coding strand, the reverse complement: CDAN1 is on the minus strand); deleting any 3 consecutive bases within chr15:42,735,130-42,735,136 gives the same sequence; the position shown is the placement nearest the transcript's 3' end. VCF-style (leftmost placement, unchanged base first): chr15-42735129-AAAG-A. GRCh37 (hg19) VCF-style: chr15-43027327-AAAG-A.
Other names: c.1104_1106delCTT (NM_138477.4); short protein forms F369del.
Identifiers: ClinVar variation 4850323 (VCV004850323.1).